The following is an entry in ClinVar:

NM_032856.5(WDR73):c.1018C>A (p.Pro340Thr)

Gene: WDR73 (WD repeat domain 73; minus strand). Cytogenetic location: 15q25.2.
Variant type: single nucleotide variant.
Coding change: c.1018C>A on transcript NM_032856.5 (MANE Select); coding-DNA position 1018, C replaced by A.
Protein change: p.Pro340Thr; replaces proline 340 with threonine.
Molecular consequence: missense variant. On other transcripts: non-coding transcript variant (4).
Genome position (GRCh38, 1-based): chr15:84,643,589, G>T on the plus strand (C>A on the coding strand, the complement: WDR73 is on the minus strand). VCF-style: chr15-84643589-G-T. GRCh37 (hg19) VCF-style: chr15-85186820-G-T.
Other names: short protein forms P340T.
Identifiers: ClinVar variation 2749073 (VCV002749073.3), dbSNP rs1896338271, ClinGen allele CA393351420.

ClinVar aggregate classification (germline): Uncertain significance (1 of 4 stars; one submission).

Submission:

Labcorp Genetics (formerly Invitae), Labcorp
Classification: Uncertain significance. Last evaluated: 2023-08-01. Review status: criteria provided, single submitter. Criteria: Invitae Variant Classification Sherloc (09022015). Collection method: clinical testing. Allele origin: germline.
Comment: This variant is not present in population databases (gnomAD no frequency). This sequence change replaces proline, which is neutral and non-polar, with threonine, which is neutral and polar, at codon 340 of the WDR73 protein (p.Pro340Thr). This variant has not been reported in the literature in individuals affected with WDR73-related conditions. Advanced modeling of protein sequence and biophysical properties (such as structural, functional, and spatial information, amino acid conservation, physicochemical variation, residue mobility, and thermodynamic stability) performed at Invitae indicates that this missense variant is not expected to disrupt WDR73 protein function. In summary, the available evidence is currently insufficient to determine the role of this variant in disease. Therefore, it has been classified as a Variant of Uncertain Significance.